The following is an entry in ClinVar:

NM_020975.6(RET):c.2528_2530dup (p.Glu843_Arg844insGln)

Gene: RET (ret proto-oncogene; plus strand). Cytogenetic location: 10q11.21.
Variant type: Duplication.
Coding change: c.2528_2530dup on transcript NM_020975.6 (MANE Select); coding-DNA positions 2528 to 2530, 3 bases duplicated (AGC; older notation c.2528_2530dupAGC).
Protein change: p.Glu843_Arg844insGln.
Molecular consequence: inframe insertion. On other transcripts: inframe indel (42).
Genome position (GRCh38, 1-based): chr10:43,119,666-43,119,668, AGC duplicated. VCF-style (leftmost placement, unchanged base first): chr10-43119665-G-GAGC. GRCh37 (hg19) VCF-style: chr10-43615113-G-GAGC.
Other names: c.2528_2530dup, p.Glu843_Arg844insGln (NM_000323.2, NM_001406743.1, NM_001406744.1 and 4 more transcripts); c.1766_1768dup, p.Glu589_Arg590insGln (NM_001355216.2); c.2399_2401dup, p.Glu800_Arg801insGln (NM_001406761.1, NM_001406762.1, NM_001406764.1); c.2393_2395dup, p.Glu798_Arg799insGln (NM_001406763.1, NM_001406765.1); c.2240_2242dup, p.Glu747_Arg748insGln (NM_001406766.1, NM_001406767.1, NM_001406770.1); c.2264_2266dup, p.Glu755_Arg756insGln (NM_001406768.1); c.2132_2134dup, p.Glu711_Arg712insGln (NM_001406769.1, NM_001406772.1); c.2090_2092dup, p.Glu697_Arg698insGln (NM_001406771.1, NM_001406773.1); and 10 more.
Identifiers: ClinVar variation 843856 (VCV000843856.11), dbSNP rs1838161569, ClinGen allele CA916081581.
Genomic context (GRCh38, chr10:43,119,665, plus strand): 5'-GGGCCTGGCTACCTGGGCAGTGGAGGCAGCCGCAACTCCAGCTCCCTGGACCACCCGGAT[G>GAGC]AGCGGGCCCTCACCATGGGCGACCTCATCTCATTTGCCTGGCAGATCTCACAGGGGATGC-3'

ClinVar aggregate classification (germline): Uncertain significance (1 of 4 stars; one submission).

Conditions:
Multiple endocrine neoplasia, type 2 (MEN2). Identifiers: Orphanet 653, MedGen C4048306, MONDO:0019003. Disease mechanism: gain of function.

Submission:

Labcorp Genetics (formerly Invitae), Labcorp
Classification: Uncertain significance for Multiple endocrine neoplasia, type 2. Last evaluated: 2019-11-27. Review status: criteria provided, single submitter. Criteria: Invitae Variant Classification Sherloc (09022015). Collection method: clinical testing. Allele origin: germline.
Comment: In summary, the available evidence is currently insufficient to determine the role of this variant in disease. Therefore, it has been classified as a Variant of Uncertain Significance. Experimental studies and prediction algorithms are not available or were not evaluated, and the functional significance of this variant is currently unknown. This variant has not been reported in the literature in individuals with RET-related conditions. This variant is not present in population databases (ExAC no frequency). This variant, c.2528_2530dup, results in the insertion of 1 amino acid(s) to the RET protein (p.Glu843_Arg844insGln), but otherwise preserves the integrity of the reading frame.